The following is an entry in ClinVar:

ClinVar aggregate classification (germline): Uncertain significance. Review status: criteria provided, multiple submitters, no conflicts (2 of 4 stars). 3 submissions from 3 submitters: Uncertain significance (3). Last evaluated 2025-08-01.

Conditions:
Inborn genetic diseases. Identifiers: MedGen C0950123, MeSH D030342.
Early-infantile DEE. Also called: Early infantile epileptic encephalopathy; Ohtahara syndrome; Early infantile epileptic encephalopathy with suppression bursts. Identifiers: Orphanet 1934, MedGen C0393706, MONDO:0800491.

Allele frequency attached by ClinVar (database versions not stated): gnomAD exomes below 0.00001; TOPMed below 0.00001.
gnomAD v4.1: 4 of 1,613,584 alleles (0.00025%); highest among the groups gnomAD compares: Non-Finnish European, 0.00034%; no homozygotes.

Submissions (3):

Ambry Genetics
Classification: Uncertain significance for Inborn genetic diseases. Last evaluated: 2025-08-01. Review status: criteria provided, single submitter. Criteria: Ambry Variant Classification Scheme 2023. Collection method: clinical testing. Allele origin: germline.

Labcorp Genetics (formerly Invitae), Labcorp
Classification: Uncertain significance for Early-infantile DEE. Last evaluated: 2025-07-29. Review status: criteria provided, single submitter. Criteria: Invitae Variant Classification Sherloc (09022015). Collection method: clinical testing. Allele origin: germline.
Comment: This sequence change replaces glycine, which is neutral and non-polar, with serine, which is neutral and polar, at codon 1069 of the SCN8A protein (p.Gly1069Ser). This variant is not present in population databases (gnomAD no frequency). This variant has not been reported in the literature in individuals affected with SCN8A-related conditions. ClinVar contains an entry for this variant (Variation ID: 423345). Invitae Evidence Modeling of protein sequence and biophysical properties (such as structural, functional, and spatial information, amino acid conservation, physicochemical variation, residue mobility, and thermodynamic stability) indicates that this missense variant is not expected to disrupt SCN8A protein function with a negative predictive value of 95%. In summary, the available evidence is currently insufficient to determine the role of this variant in disease. Therefore, it has been classified as a Variant of Uncertain Significance.

GeneDx
Classification: Uncertain significance. Last evaluated: 2024-06-10. Review status: criteria provided, single submitter. Criteria: GeneDx Variant Classification Process June 2021. Collection method: clinical testing. Allele origin: germline. Affected: yes.
Comment: Not observed at significant frequency in large population cohorts (gnomAD); In silico analysis supports that this missense variant has a deleterious effect on protein structure/function; This substitution is predicted to be in the cytoplasmic loop between the second and third homologous domains; Has not been previously published as pathogenic or benign to our knowledge

NM_001330260.2(SCN8A):c.3205G>A (p.Gly1069Ser)

Gene: SCN8A (sodium voltage-gated channel alpha subunit 8; plus strand). Cytogenetic location: 12q13.13.
Variant type: single nucleotide variant.
Coding change: c.3205G>A on transcript NM_001330260.2 (MANE Select); coding-DNA position 3205, G replaced by A.
Protein change: p.Gly1069Ser; replaces glycine 1069 with serine.
Molecular consequence: missense variant.
Genome position (GRCh38, 1-based): chr12:51,769,168, G>A. VCF-style: chr12-51769168-G-A. GRCh37 (hg19) VCF-style: chr12-52162952-G-A.
Other names: c.3205G>A, p.Gly1069Ser (NM_001177984.3, NM_001369788.1, NM_014191.4); c.3205G>A (NM_014191.2); short protein forms G1069S.
Identifiers: ClinVar variation 423345 (VCV000423345.9), dbSNP rs1064796374, ClinGen allele CA16619560.